The following is an entry in ClinVar:

ClinVar aggregate classification (germline): Uncertain significance. Review status: criteria provided, single submitter (1 of 4 stars). 2 submissions from 2 submitters: Uncertain significance (1). 1 of the submissions does not count toward it. Last evaluated 2022-11-22.

Conditions:
Seizure. Also called: Seizures. Identifiers: MedGen C0036572, HP:0001250.
Early-infantile DEE. Also called: Early infantile epileptic encephalopathy; Early infantile epileptic encephalopathy with suppression bursts; Ohtahara syndrome. Identifiers: Orphanet 1934, MedGen C0393706, MONDO:0800491.

Submissions (2):

Labcorp Genetics (formerly Invitae), Labcorp
Classification: Uncertain significance for Early-infantile DEE. Last evaluated: 2022-11-22. Review status: criteria provided, single submitter. Criteria: Invitae Variant Classification Sherloc (09022015). Collection method: clinical testing. Allele origin: germline.
Comment: In summary, the available evidence is currently insufficient to determine the role of this variant in disease. Therefore, it has been classified as a Variant of Uncertain Significance. Advanced modeling of protein sequence and biophysical properties (such as structural, functional, and spatial information, amino acid conservation, physicochemical variation, residue mobility, and thermodynamic stability) performed at Invitae indicates that this missense variant is expected to disrupt SCN8A protein function. ClinVar contains an entry for this variant (Variation ID: 857965). This variant has not been reported in the literature in individuals affected with SCN8A-related conditions. This variant is not present in population databases (gnomAD no frequency). This sequence change replaces glycine, which is neutral and non-polar, with alanine, which is neutral and non-polar, at codon 398 of the SCN8A protein (p.Gly398Ala).

Diagnostic Laboratory, Strasbourg University Hospital
Classification: Uncertain significance for Seizure. Review status: no assertion criteria provided. Collection method: clinical testing. Allele origin: de novo. Affected: yes. Observed: 1 heterozygote. Not counted in ClinVar's aggregate classification.

NM_001330260.2(SCN8A):c.1193G>C (p.Gly398Ala)

Gene: SCN8A (sodium voltage-gated channel alpha subunit 8; plus strand). Cytogenetic location: 12q13.13.
Variant type: single nucleotide variant.
Coding change: c.1193G>C on transcript NM_001330260.2 (MANE Select); coding-DNA position 1193, G replaced by C.
Protein change: p.Gly398Ala; replaces glycine 398 with alanine.
Molecular consequence: missense variant.
Genome position (GRCh38, 1-based): chr12:51,705,475, G>C. VCF-style: chr12-51705475-G-C. GRCh37 (hg19) VCF-style: chr12-52099259-G-C.
Other names: c.1193G>C, p.Gly398Ala (NM_001177984.3, NM_001369788.1, NM_014191.4); short protein forms G398A.
Identifiers: ClinVar variation 857965 (VCV000857965.10), dbSNP rs1941767862, ClinGen allele CA385227740.